The following is an entry in ClinVar:

NM_001034850.3(RETREG1):c.403G>C (p.Asp135His)

Gene: RETREG1 (reticulophagy regulator 1; minus strand). Cytogenetic location: 5p15.1.
Variant type: single nucleotide variant.
Coding change: c.403G>C on transcript NM_001034850.3 (MANE Select); coding-DNA position 403, G replaced by C.
Protein change: p.Asp135His; replaces aspartic acid 135 with histidine.
Molecular consequence: missense variant.
Genome position (GRCh38, 1-based): chr5:16,572,020, C>G on the plus strand (G>C on the coding strand, the complement: RETREG1 is on the minus strand). VCF-style: chr5-16572020-C-G. GRCh37 (hg19) VCF-style: chr5-16572129-C-G.
Other names: short protein forms D135H.
Identifiers: ClinVar variation 1963025 (VCV001963025.5), dbSNP rs1742183967, ClinGen allele CA359292367.

ClinVar aggregate classification (germline): Uncertain significance (1 of 4 stars; one submission).

gnomAD v4.1: 2 of 1,612,888 alleles (0.00012%); highest among the groups gnomAD compares: Non-Finnish European, 0.000085%; no homozygotes.

Submission:

Labcorp Genetics (formerly Invitae), Labcorp
Classification: Uncertain significance. Last evaluated: 2022-08-13. Review status: criteria provided, single submitter. Criteria: Invitae Variant Classification Sherloc (09022015). Collection method: clinical testing. Allele origin: germline.
Comment: In summary, the available evidence is currently insufficient to determine the role of this variant in disease. Therefore, it has been classified as a Variant of Uncertain Significance. Algorithms developed to predict the effect of missense changes on protein structure and function are either unavailable or do not agree on the potential impact of this missense change (SIFT: "Tolerated"; PolyPhen-2: "Probably Damaging"; Align-GVGD: "Class C0"). This variant has not been reported in the literature in individuals affected with RETREG1-related conditions. This variant is not present in population databases (gnomAD no frequency). This sequence change replaces aspartic acid, which is acidic and polar, with histidine, which is basic and polar, at codon 135 of the RETREG1 protein (p.Asp135His).